The following is an entry in ClinVar:

ClinVar aggregate classification (germline): Uncertain significance (1 of 4 stars; one submission).

Submission:

Dasa
Classification: Uncertain significance. Last evaluated: 2025-08-04. Review status: criteria provided, single submitter. Criteria: DASA Assertion Criteria. Collection method: clinical testing. Allele origin: germline.
Comment: NM_002074.5(GNB1):c.914C>A (p.Ala305Glu) is a missense variant that results in the substitution of alanine with glutamic acid. This variant is absent from population databases. The currently available literature and clinical evidence are not sufficient to establish a definitive association between this variant and the reported condition. Therefore, this variant is classified as a variant of uncertain significance.

NM_002074.5(GNB1):c.914C>A (p.Ala305Glu)

Gene: GNB1 (G protein subunit beta 1; minus strand). Cytogenetic location: 1p36.33.
Variant type: single nucleotide variant.
Coding change: c.914C>A on transcript NM_002074.5 (MANE Select); coding-DNA position 914, C replaced by A.
Protein change: p.Ala305Glu; replaces alanine 305 with glutamic acid.
Molecular consequence: missense variant.
Genome position (GRCh38, 1-based): chr1:1,789,055, G>T on the plus strand (C>A on the coding strand, the complement: GNB1 is on the minus strand). VCF-style: chr1-1789055-G-T. GRCh37 (hg19) VCF-style: chr1-1720494-G-T.
Other names: c.614C>A, p.Ala205Glu (NM_001282538.2); c.914C>A, p.Ala305Glu (NM_001282539.2); short protein forms A205E, A305E.
Identifiers: ClinVar variation 4880859 (VCV004880859.2).